The following is an entry in ClinVar:

ClinVar aggregate classification (germline): Likely pathogenic (1 of 4 stars; one submission).

Conditions:
Autosomal dominant Alport syndrome (ATS3A). Also called: ALPORT SYNDROME 3A, AUTOSOMAL DOMINANT; Alport syndrome dominant type; Renal failure and sensorineural hearing loss. Identifiers: Orphanet 63, Orphanet 88918, MedGen C5882663, MONDO:0007086, OMIM 104200.

Submission:

Centre de Génétique Humaine, Institut de Pathologie Et de Génétique
Classification: Likely pathogenic for Autosomal dominant Alport syndrome. Last evaluated: 2026-02-20. Review status: criteria provided, single submitter. Criteria: ACMG Guidelines, 2015. Collection method: clinical testing. Allele origin: germline. Inheritance: Autosomal dominant inheritance. Affected: yes. Observed: 1 variant allele, 1 heterozygote. Segregation with disease observed.
Comment: This missense variant involves a highly conserved glycine located in a ‘Gly-X-Y’ motif in collagenous region, which is characteristic of the pathogenic variants identified in the COL4A3 gene (PM1,PP2). This variant is rare: absent in gnomAD v4.1.0 database (PM2); In silico analysis supports that this missense variant has a deleterious effect (PP3). Another missense variant affecting the same residue described as LPin ClinVar : c.1468G>C, p.Gly490Arg, (PM5)

NM_000091.5(COL4A3):c.1469G>A (p.Gly490Glu)

Genes: COL4A3 (collagen type IV alpha 3 chain; plus strand), MFF-DT (MFF divergent transcript; minus strand). Cytogenetic location: 2q36.3.
Variant type: single nucleotide variant.
Coding change: c.1469G>A on transcript NM_000091.5 (MANE Select); coding-DNA position 1469, G replaced by A.
Protein change: p.Gly490Glu; replaces glycine 490 with glutamic acid.
Molecular consequence: missense variant.
Genome position (GRCh38, 1-based): chr2:227,267,053, G>A. VCF-style: chr2-227267053-G-A. GRCh37 (hg19) VCF-style: chr2-228131769-G-A.
Other names: p.(Gly490Glu); short protein forms G490E.
Identifiers: ClinVar variation 4853851 (VCV004853851.1).